The following is an entry in ClinVar:

ClinVar aggregate classification (germline): Uncertain significance. Review status: criteria provided, multiple submitters, no conflicts (2 of 4 stars). 2 submissions from 2 submitters: Uncertain significance (2). Last evaluated 2023-08-10.

Conditions:
Inborn genetic diseases. Identifiers: MedGen C0950123, MeSH D030342.

Allele frequency attached by ClinVar (database versions not stated): gnomAD exomes 0.00001 and 0.00004; TOPMed 0.00002.

Submissions (2):

Ambry Genetics
Classification: Uncertain significance for Inborn genetic diseases. Last evaluated: 2023-08-10. Review status: criteria provided, single submitter. Criteria: Ambry Variant Classification Scheme 2023. Collection method: clinical testing. Allele origin: germline.

Labcorp Genetics (formerly Invitae), Labcorp
Classification: Uncertain significance. Last evaluated: 2021-10-01. Review status: criteria provided, single submitter. Criteria: Invitae Variant Classification Sherloc (09022015). Collection method: clinical testing. Allele origin: germline.
Comment: In summary, the available evidence is currently insufficient to determine the role of this variant in disease. Therefore, it has been classified as a Variant of Uncertain Significance. Algorithms developed to predict the effect of missense changes on protein structure and function (SIFT, PolyPhen-2, Align-GVGD) all suggest that this variant is likely to be tolerated. This variant has not been reported in the literature in individuals affected with CTR9-related conditions. This variant is not present in population databases (ExAC no frequency). This sequence change replaces valine with isoleucine at codon 701 of the CTR9 protein (p.Val701Ile). The valine residue is moderately conserved and there is a small physicochemical difference between valine and isoleucine.

NM_014633.5(CTR9):c.2101G>A (p.Val701Ile)

Gene: CTR9 (CTR9 component of Paf1/RNA polymerase II complex; plus strand). Cytogenetic location: 11p15.4.
Variant type: single nucleotide variant.
Coding change: c.2101G>A on transcript NM_014633.5 (MANE Select); coding-DNA position 2101, G replaced by A.
Protein change: p.Val701Ile; replaces valine 701 with isoleucine.
Molecular consequence: missense variant.
Genome position (GRCh38, 1-based): chr11:10,768,483, G>A. VCF-style: chr11-10768483-G-A. GRCh37 (hg19) VCF-style: chr11-10790030-G-A.
Other names: c.2101G>A, p.Val701Ile (NM_001346279.2); c.2101G>A (NM_014633.3); short protein forms V701I.
Identifiers: ClinVar variation 1445150 (VCV001445150.7), dbSNP rs1335030370, ClinGen allele CA379674379.
Genomic context (GRCh38, chr11:10,768,483, plus strand): 5'-AGTGATGTGTGGCTGAACTTAGCACACATCTATGTGGAGCAAAAGCAGTACATCAGCGCC[G>A]TTCAGATGGTAATAGCTTCTCTTTCAAGATATTTTTATATCTTGTTCATTGTTAAGCAGA-3'
Protein context (NP_055448.1, residues 691-711): YVEQKQYISA[Val701Ile]QMYENCLRKF